The following is an entry in ClinVar:

NM_007208.4(MRPL3):c.568+232G>A

Gene: MRPL3 (mitochondrial ribosomal protein L3; minus strand). Cytogenetic location: 3q22.1.
Variant type: single nucleotide variant.
Coding change: c.568+232G>A on transcript NM_007208.4 (MANE Select); 232 bases into the intron after coding-DNA position 568, G replaced by A.
Molecular consequence: intron variant.
Genome position (GRCh38, 1-based): chr3:131,489,749, C>T on the plus strand (G>A on the coding strand, the complement: MRPL3 is on the minus strand). VCF-style: chr3-131489749-C-T. GRCh37 (hg19) VCF-style: chr3-131208593-C-T.
Identifiers: ClinVar variation 678609 (VCV000678609.1), dbSNP rs72997229, ClinGen allele CA11584992.

ClinVar aggregate classification (germline): Benign (1 of 4 stars; one submission).

Allele frequency attached by ClinVar (database versions not stated): TOPMed 0.05183; 1000 Genomes Project 30x 0.07261; 1000 Genomes Project 0.07308.
gnomAD v4.1: 6,705 of 151,254 alleles (4.4%); highest among the groups gnomAD compares: African/African-American, 14%; 415 homozygotes.

Submission:

GeneDx
Classification: Benign. Last evaluated: 2018-06-19. Review status: criteria provided, single submitter. Criteria: GeneDx Variant Classification (06012015). Collection method: clinical testing. Allele origin: germline. Affected: yes.
Comment: This variant is considered likely benign or benign based on one or more of the following criteria: it is a conservative change, it occurs at a poorly conserved position in the protein, it is predicted to be benign by multiple in silico algorithms, and/or has population frequency not consistent with disease.